The following is an entry in ClinVar:

NM_006929.5(SKIC2):c.2042T>C (p.Met681Thr)

Gene: SKIC2 (SKI2 subunit of superkiller complex; plus strand). Cytogenetic location: 6p21.33.
Variant type: single nucleotide variant.
Coding change: c.2042T>C on transcript NM_006929.5 (MANE Select); coding-DNA position 2042, T replaced by C.
Protein change: p.Met681Thr; replaces methionine 681 with threonine.
Molecular consequence: missense variant.
Genome position (GRCh38, 1-based): chr6:31,965,853, T>C. VCF-style: chr6-31965853-T-C. GRCh37 (hg19) VCF-style: chr6-31933630-T-C.
Other names: short protein forms M681T.
Identifiers: ClinVar variation 1363145 (VCV001363145.6), dbSNP rs1341534503, ClinGen allele CA363467329.

ClinVar aggregate classification (germline): Uncertain significance (1 of 4 stars; one submission).

Allele frequency attached by ClinVar (database versions not stated): gnomAD exomes 0.00001.
gnomAD v4.1: 8 of 1,612,904 alleles (0.0005%); highest among the groups gnomAD compares: East Asian, 0.0045%; no homozygotes.

Submission:

Labcorp Genetics (formerly Invitae), Labcorp
Classification: Uncertain significance. Last evaluated: 2026-01-08. Review status: criteria provided, single submitter. Criteria: Invitae Variant Classification Sherloc (09022015). Collection method: clinical testing. Allele origin: germline.
Comment: This sequence change replaces methionine, which is neutral and non-polar, with threonine, which is neutral and polar, at codon 681 of the SKIV2L protein (p.Met681Thr). This variant is present in population databases (no rsID available, gnomAD 0.003%). This variant has not been reported in the literature in individuals affected with SKIV2L-related conditions. ClinVar contains an entry for this variant (Variation ID: 1363145). An algorithm developed to predict the effect of missense changes on protein structure and function outputs the following: PolyPhen-2: "Benign". The threonine amino acid residue is found in multiple mammalian species, which suggests that this missense change does not adversely affect protein function. In summary, the available evidence is currently insufficient to determine the role of this variant in disease. Therefore, it has been classified as a Variant of Uncertain Significance.